The following is an entry in ClinVar:

NM_177438.3(DICER1):c.1153C>A (p.Arg385Ser)

Gene: DICER1 (dicer 1, ribonuclease III; minus strand). Cytogenetic location: 14q32.13.
Variant type: single nucleotide variant.
Coding change: c.1153C>A on transcript NM_177438.3 (MANE Select); coding-DNA position 1153, C replaced by A.
Protein change: p.Arg385Ser; replaces arginine 385 with serine.
Molecular consequence: missense variant.
Genome position (GRCh38, 1-based): chr14:95,124,419, G>T on the plus strand (C>A on the coding strand, the complement: DICER1 is on the minus strand). VCF-style: chr14-95124419-G-T. GRCh37 (hg19) VCF-style: chr14-95590756-G-T.
Other names: c.1153C>A, p.Arg385Ser (NM_001195573.1, NM_001271282.3, NM_001291628.2 and 1 more transcripts); short protein forms R385S.
Identifiers: ClinVar variation 646219 (VCV000646219.11), dbSNP rs746886465, ClinGen allele CA390886849.

ClinVar aggregate classification (germline): Uncertain significance. Review status: criteria provided, multiple submitters, no conflicts (2 of 4 stars). 2 submissions from 2 submitters: Uncertain significance (2). Last evaluated 2024-06-19.

Conditions:
DICER1-related tumor predisposition. Also called: DICER1 syndrome; DICER1-related pleuropulmonary blastoma cancer predisposition syndrome. Identifiers: Orphanet 284343, MedGen C3839822, MONDO:0100216.
Euthyroid goiter (MNG1). Also called: MULTINODULAR GOITER, ADOLESCENT; SIMPLE GOITER; Goiter, multinodular 1, with or without Sertoli-Leydig cell tumors; GOITER, NONTOXIC, WITH INTRATHYROIDAL CALCIFICATION. Identifiers: Orphanet 276399, MedGen C0302859, MONDO:0007681, OMIM 138800, HP:0009798.
Rhabdomyosarcoma, embryonal, 2 (RMSE2). Identifiers: MedGen C1867234, MONDO:0859046, OMIM 180295.
Global developmental delay - lung cysts - overgrowth - Wilms tumor syndrome. Also called: GLOW Syndrome; GLOBAL DEVELOPMENTAL DELAY, LUNG CYSTS, OVERGROWTH, AND WILMS TUMOR. Identifiers: Orphanet 404476, MedGen C4748924, MONDO:0018445, OMIM 618272.
Pleuropulmonary blastoma (PPB). Identifiers: Orphanet 64742, MedGen C1266144, MONDO:0011014, OMIM 601200, HP:0100528.

Allele frequency attached by ClinVar (database versions not stated): TOPMed 0.00002.
gnomAD v4.1: 1 of 1,614,054 alleles (0.000062%); highest among the groups gnomAD compares: South Asian, 0.0011%; no homozygotes.

Submissions (2):

Fulgent Genetics
Classification: Uncertain significance for Euthyroid goiter; Rhabdomyosarcoma, embryonal, 2; Pleuropulmonary blastoma; Global developmental delay - lung cysts - overgrowth - Wilms tumor syndrome. Last evaluated: 2024-06-19. Review status: criteria provided, single submitter. Criteria: ACMG Guidelines, 2015. Collection method: clinical testing. Allele origin: germline.

Labcorp Genetics (formerly Invitae), Labcorp
Classification: Uncertain significance for DICER1-related tumor predisposition. Last evaluated: 2022-07-25. Review status: criteria provided, single submitter. Criteria: Invitae Variant Classification Sherloc (09022015). Collection method: clinical testing. Allele origin: germline.
Comment: In summary, the available evidence is currently insufficient to determine the role of this variant in disease. Therefore, it has been classified as a Variant of Uncertain Significance. Algorithms developed to predict the effect of missense changes on protein structure and function are either unavailable or do not agree on the potential impact of this missense change (SIFT: "Deleterious"; PolyPhen-2: "Benign"; Align-GVGD: "Class C15"). ClinVar contains an entry for this variant (Variation ID: 646219). This variant has not been reported in the literature in individuals affected with DICER1-related conditions. This variant is not present in population databases (gnomAD no frequency). This sequence change replaces arginine, which is basic and polar, with serine, which is neutral and polar, at codon 385 of the DICER1 protein (p.Arg385Ser).